The following is an entry in ClinVar:

ClinVar aggregate classification (germline): Uncertain significance (1 of 4 stars; one submission).

Conditions:
Hereditary cancer-predisposing syndrome. Also called: Tumor predisposition; Hereditary neoplastic syndrome; Hereditary Cancer Syndrome; Neoplastic Syndromes, Hereditary. Identifiers: Orphanet 140162, MedGen C0027672, MeSH D009386, MONDO:0015356.

Submission:

Ambry Genetics
Classification: Uncertain significance for Hereditary cancer-predisposing syndrome. Last evaluated: 2023-10-05. Review status: criteria provided, single submitter. Criteria: Ambry Variant Classification Scheme 2023. Collection method: clinical testing. Allele origin: germline.
Comment: The p.P38R variant (also known as c.113C>G), located in coding exon 1 of the AXIN2 gene, results from a C to G substitution at nucleotide position 113. The proline at codon 38 is replaced by arginine, an amino acid with dissimilar properties. This amino acid position is poorly conserved in available vertebrate species. In addition, this alteration is predicted to be tolerated by in silico analysis. Since supporting evidence is limited at this time, the clinical significance of this alteration remains unclear.

NM_004655.4(AXIN2):c.113C>G (p.Pro38Arg)

Gene: AXIN2 (axin 2; minus strand). Cytogenetic location: 17q24.1.
Variant type: single nucleotide variant.
Coding change: c.113C>G on transcript NM_004655.4 (MANE Select); coding-DNA position 113, C replaced by G.
Protein change: p.Pro38Arg; replaces proline 38 with arginine.
Molecular consequence: missense variant.
Genome position (GRCh38, 1-based): chr17:65,558,508, G>C on the plus strand (C>G on the coding strand, the complement: AXIN2 is on the minus strand). VCF-style: chr17-65558508-G-C. GRCh37 (hg19) VCF-style: chr17-63554626-G-C.
Other names: c.113C>G, p.Pro38Arg (NM_001363813.1); short protein forms P38R.
Identifiers: ClinVar variation 3224345 (VCV003224345.1), dbSNP rs1555583744, ClinGen allele CA400682146.